The following is an entry in ClinVar:

ClinVar aggregate classification (germline): Likely benign (1 of 4 stars; one submission).

Submission:

GeneDx
Classification: Likely benign. Last evaluated: 2016-05-05. Review status: criteria provided, single submitter. Criteria: GeneDx Variant Classification (06012015). Collection method: clinical testing. Allele origin: germline. Affected: yes.
Comment: This variant is considered likely benign or benign based on one or more of the following criteria: it is a conservative change, it occurs at a poorly conserved position in the protein, it is predicted to be benign by multiple in silico algorithms, and/or has population frequency not consistent with disease.

NM_001271696.3(ABCB7):c.111A>T (p.Ser37=)

Genes: ABCB7 (ATP binding cassette subfamily B member 7; minus strand), LOC130068449 (ATAC-STARR-seq lymphoblastoid active region 29770; plus strand). Cytogenetic location: Xq13.3.
Variant type: single nucleotide variant.
Coding change: c.111A>T on transcript NM_001271696.3 (MANE Select); coding-DNA position 111, A replaced by T.
Protein change: p.Ser37=; no amino-acid change (serine 37 retained).
Molecular consequence: synonymous variant.
Genome position (GRCh38, 1-based): chrX:75,156,162, T>A on the plus strand (A>T on the coding strand, the complement: ABCB7 is on the minus strand). VCF-style: chrX-75156162-T-A. GRCh37 (hg19) VCF-style: chrX-74375997-T-A.
Other names: c.111A>T, p.Ser37= (NM_001271697.3, NM_001271698.3, NM_001271699.3 and 1 more transcripts).
Identifiers: ClinVar variation 385410 (VCV000385410.1), dbSNP rs1057522216, ClinGen allele CA16608589.
Genomic context (GRCh38, chrX:75,156,162, plus strand): 5'-CACCTGGTAGGCTCGAGCGGTTCCCAAGGCGCCGAGTTGATGTGGCCTCCACTGCGGACC[T>A]GAGCCGCTAACAGAGACTAAAGGCCGGATCAGAATCGCGGAGTGCCGGCGCTTTTCGAAA-3'
Protein context (NP_001258625.1, residues 27-47): LIRPLVSVSG[Ser37=]GPQWRPHQLG